The following is an entry in ClinVar:

ClinVar aggregate classification (germline): Uncertain significance (1 of 4 stars; one submission).

Conditions:
Rauch-Steindl syndrome (RAUST). Identifiers: Orphanet 659642, MedGen C5562061, MONDO:0859219, OMIM 619695.

gnomAD v4.1: 8 of 1,560,980 alleles (0.00051%); highest among the groups gnomAD compares: Non-Finnish European, 0.000087%; no homozygotes.

Submission:

OLLIN Analises Genomicas, OLLIN
Classification: Uncertain significance for Rauch-Steindl syndrome. Last evaluated: 2026-08-06. Review status: criteria provided, single submitter. Criteria: ACMG Guidelines 2015 PMID 25741868. Collection method: clinical testing. Allele origin: germline. Inheritance: Autosomal dominant inheritance.
Comment: This missense variant, located in exon 22 (of 22), has been observed in gnomAD with an allele frequency of 0.00051%, but has not been reported in ClinVar or identified in the literature. In silico analysis predicts that this variant has a tolerated effect. This gene is constrained for missense variation. According to the currently available evidence, this variant has been classified as uncertain significance (PM2_P, PP2, BP4).

NM_001042424.3(NSD2):c.4081G>A (p.Val1361Ile)

Gene: NSD2 (nuclear receptor binding SET domain protein 2; plus strand). Cytogenetic location: 4p16.3.
Variant type: single nucleotide variant.
Coding change: c.4081G>A on transcript NM_001042424.3 (MANE Select); coding-DNA position 4081, G replaced by A.
Protein change: p.Val1361Ile; replaces valine 1361 with isoleucine.
Molecular consequence: missense variant.
Genome position (GRCh38, 1-based): chr4:1,978,892, G>A. VCF-style: chr4-1978892-G-A. GRCh37 (hg19) VCF-style: chr4-1980619-G-A.
Other names: c.4081G>A, p.Val1361Ile (NM_001440892.1, NM_133330.3, NM_133331.3 and 1 more transcripts); c.4180G>A, p.Val1394Ile (NM_001440893.1); c.3964G>A, p.Val1322Ile (NM_001440894.1); c.3934G>A, p.Val1312Ile (NM_001440895.1); c.3880G>A, p.Val1294Ile (NM_001440896.1); c.3874G>A, p.Val1292Ile (NM_001440897.1); c.3757G>A, p.Val1253Ile (NM_001440898.1); c.3112G>A, p.Val1038Ile (NM_001440899.1, NM_001440900.1); short protein forms V1312I, V1361I, V1038I, V1292I, V1294I, V1394I, V1253I, V1322I.
Identifiers: ClinVar variation 5002750 (VCV005002750.1).